The following is an entry in ClinVar:

NM_194255.4(SLC19A1):c.1151+8C>A

Gene: SLC19A1 (solute carrier family 19 member 1; minus strand). Cytogenetic location: 21q22.3.
Variant type: single nucleotide variant.
Coding change: c.1151+8C>A on transcript NM_194255.4 (MANE Select); 8 bases into the intron after coding-DNA position 1151, C replaced by A.
Molecular consequence: intron variant.
Genome position (GRCh38, 1-based): chr21:45,530,762, G>T on the plus strand (C>A on the coding strand, the complement: SLC19A1 is on the minus strand). VCF-style: chr21-45530762-G-T. GRCh37 (hg19) VCF-style: chr21-46950676-G-T.
Other names: c.1151+8C>A (NM_001352511.3, NM_001205206.4, NM_001352512.2); c.797+8C>A (NM_001352510.2); c.1031+8C>A (NM_001205207.3).
Identifiers: ClinVar variation 726171 (VCV000726171.34), dbSNP rs61338739, ClinGen allele CA10068414.

ClinVar aggregate classification (germline): Benign/Likely benign. Review status: criteria provided, multiple submitters, no conflicts (2 of 4 stars). 3 submissions from 3 submitters: Benign (1); Likely benign (2). Last evaluated 2026-08-01.

Allele frequency attached by ClinVar (database versions not stated): 1000 Genomes Project 0.00020; 1000 Genomes Project 30x 0.00078; gnomAD exomes 0.00166 and 0.00349; gnomAD 0.00205 and 0.00256; ExAC 0.00241; TOPMed 0.00251; ESP Exome Variant Server 0.00316.
gnomAD v4.1: 5,176 of 1,552,336 alleles (0.33%); highest among the groups gnomAD compares: Non-Finnish European, 0.42%; 18 homozygotes.

Submissions (3):

CeGaT Center for Human Genetics Tuebingen
Classification: Likely benign. Last evaluated: 2026-08-01. Review status: criteria provided, single submitter. Criteria: CeGaT Center For Human Genetics Tuebingen Variant Classification Criteria Version 2. Collection method: clinical testing. Allele origin: germline. Affected: yes. Observed: 5 variant alleles.
Comment: SLC19A1: BP4, BS2

Labcorp Genetics (formerly Invitae), Labcorp
Classification: Benign. Last evaluated: 2025-11-19. Review status: criteria provided, single submitter. Criteria: Invitae Variant Classification Sherloc (09022015). Collection method: clinical testing. Allele origin: germline.

Blueprint Genetics
Classification: Likely benign. Last evaluated: 2024-11-19. Review status: criteria provided, single submitter. Criteria: ACMG Guidelines, 2015. Collection method: clinical testing. Allele origin: germline.